The following is an entry in ClinVar:

ClinVar aggregate classification (germline): Benign. Review status: criteria provided, multiple submitters, no conflicts (2 of 4 stars). 5 submissions from 5 submitters: Benign (5). Last evaluated 2021-07-30.

Conditions:
Cataract 4 multiple types. Also called: CATARACT 4, PUNCTATE; CATARACT 4, CRYSTALLINE; CATARACT 4, CENTRAL NUCLEAR; CATARACT 4, NONNUCLEAR POLYMORPHIC CONGENITAL; CATARACT 4, MULTIPLE TYPES, WITH OR WITHOUT MICROCORNEA; CATARACT 4 WITH MICROCORNEA. Identifiers: Orphanet 1377, MedGen C3540850, MONDO:0007281, OMIM 115700.

Allele frequency attached by ClinVar (database versions not stated): gnomAD exomes 0.87686 and 0.92662; ESP Exome Variant Server 0.93718; ExAC 0.87924; TOPMed 0.90464; 1000 Genomes Project 0.81170; 1000 Genomes Project 30x 0.81761; gnomAD 0.92175.
gnomAD v4.1: 1,489,838 of 1,611,340 alleles (92%); highest among the groups gnomAD compares: Non-Finnish European, 95%; 693,724 homozygotes.

Submissions (5):

Genome-Nilou Lab
Classification: Benign for Cataract 4 multiple types. Last evaluated: 2021-07-30. Review status: criteria provided, single submitter. Criteria: ACMG Guidelines, 2015. Collection method: clinical testing. Allele origin: germline. Affected: no.

GeneDx
Classification: Benign. Last evaluated: 2018-06-29. Review status: criteria provided, single submitter. Criteria: GeneDx Variant Classification Process June 2021. Collection method: clinical testing. Allele origin: germline. Affected: yes.

Illumina Laboratory Services, Illumina
Classification: Benign for Cataract 4 multiple types. Last evaluated: 2018-01-13. Review status: criteria provided, single submitter. Criteria: ICSL Variant Classification Criteria 13 December 2019. Collection method: clinical testing. Allele origin: germline.
Comment: This variant was observed in the ICSL laboratory as part of a predisposition screen in an ostensibly healthy population. It had not been previously curated by ICSL or reported in the Human Gene Mutation Database (HGMD: prior to June 1st, 2018), and was therefore a candidate for classification through an automated scoring system. Utilizing variant allele frequency, disease prevalence and penetrance estimates, and inheritance mode, an automated score was calculated to assess if this variant is too frequent to cause the disease. Based on the score and internal cut-off values, a variant classified as benign is not then subjected to further curation. The score for this variant resulted in a classification of benign for this disease.

Breakthrough Genomics
Classification: Benign. Review status: criteria provided, single submitter. Criteria: ACMG Guidelines, 2015. Collection method: not provided. Allele origin: germline. Inheritance: Autosomal dominant inheritance. Affected: yes.

PreventionGenetics, part of Exact Sciences
Classification: Benign. Review status: criteria provided, single submitter. Criteria: ACMG Guidelines, 2015. Collection method: clinical testing. Allele origin: germline.

NM_006891.4(CRYGD):c.*12T>C

Genes: CRYGD (crystallin gamma D; minus strand), LOC100507443 (uncharacterized LOC100507443; plus strand). Cytogenetic location: 2q33.3.
Variant type: single nucleotide variant.
Coding change: c.*12T>C on transcript NM_006891.4 (MANE Select); 12 bases downstream of the stop codon, T replaced by C.
Molecular consequence: 3 prime UTR variant.
Genome position (GRCh38, 1-based): chr2:208,121,661, A>G on the plus strand (T>C on the coding strand, the complement: CRYGD is on the minus strand). VCF-style: chr2-208121661-A-G. GRCh37 (hg19) VCF-style: chr2-208986385-A-G.
Identifiers: ClinVar variation 260059 (VCV000260059.11), dbSNP rs2305429, ClinGen allele CA2077616.
Genomic context (GRCh38, chr2:208,121,661, plus strand): 5'-AATCAGTGCCAGGAACACACAGAAAATATTTTATTAGTTTCCAAATTAAGAAACAACAAA[A>G]GAGGACATATTTCAGGAGAAATCTATGACTCTCCTCAGAGAGCCCACTCTGGCATTCGTG-3'